The following is an entry in ClinVar:

ClinVar aggregate classification (germline): Uncertain significance (1 of 4 stars; one submission).

Conditions:
ASXL3-related disorder. Also called: ASXL3-related condition. Identifiers: MedGen CN381524.

Submission:

PreventionGenetics, part of Exact Sciences
Classification: Uncertain significance for ASXL3-related condition. Last evaluated: 2026-03-09. Review status: criteria provided, single submitter. Criteria: ACMG Guidelines, 2015. Collection method: clinical testing. Allele origin: germline.
Comment: The ASXL3 c.661C>G variant is predicted to result in the amino acid substitution p.Pro221Ala. To our knowledge, this variant has not been reported in the literature or in a large population database (gnomAD), indicating this variant is rare. At this time, the clinical significance of this variant is uncertain due to the absence of conclusive functional and genetic evidence.

NM_030632.3(ASXL3):c.661C>G (p.Pro221Ala)

Gene: ASXL3 (ASXL transcriptional regulator 3; plus strand). Cytogenetic location: 18q12.1.
Variant type: single nucleotide variant.
Coding change: c.661C>G on transcript NM_030632.3 (MANE Select); coding-DNA position 661, C replaced by G.
Protein change: p.Pro221Ala; replaces proline 221 with alanine.
Molecular consequence: missense variant.
Genome position (GRCh38, 1-based): chr18:33,671,812, C>G. VCF-style: chr18-33671812-C-G. GRCh37 (hg19) VCF-style: chr18-31251776-C-G.
Other names: short protein forms P221A.
Identifiers: ClinVar variation 4991264 (VCV004991264.1).